The following is an entry in ClinVar:

ClinVar aggregate classification (germline): Pathogenic. Review status: criteria provided, multiple submitters, no conflicts (2 of 4 stars). 2 submissions from 2 submitters: Pathogenic (2). Last evaluated 2025-10-25.

Conditions:
Osteogenesis imperfecta type 11. Also called: Osteogenesis imperfecta, type XI; OI, TYPE XI. Identifiers: Orphanet 666, MedGen C3151218, MONDO:0012592, OMIM 610968.

Allele frequency attached by ClinVar (database versions not stated): gnomAD 0.00007.
gnomAD v4.1: 20 of 1,614,042 alleles (0.0012%); highest among the groups gnomAD compares: Admixed American, 0.023%; no homozygotes.

Submissions (2):

Labcorp Genetics (formerly Invitae), Labcorp
Classification: Pathogenic. Last evaluated: 2025-10-25. Review status: criteria provided, single submitter. Criteria: Invitae Variant Classification Sherloc (09022015). Collection method: clinical testing. Allele origin: germline.
Comment: This sequence change creates a premature translational stop signal (p.Tyr204*) in the FKBP10 gene. It is expected to result in an absent or disrupted protein product. Loss-of-function variants in FKBP10 are known to be pathogenic (PMID: 22689593, 22949511). This variant is present in population databases (no rsID available, gnomAD 0.01%). This premature translational stop signal has been observed in individual(s) with osteogenesis imperfecta type XI (PMID: 29158687). ClinVar contains an entry for this variant (Variation ID: 1380263). Algorithms developed to predict the effect of sequence changes on RNA splicing suggest that this variant may disrupt the consensus splice site. For these reasons, this variant has been classified as Pathogenic.

Clinical Biomedical Laboratory, Shriners Hospital For Children - Canada
Classification: Pathogenic for Osteogenesis imperfecta type 11. Review status: criteria provided, single submitter. Criteria: ACMG Guidelines, 2015. Collection method: clinical testing. Allele origin: germline. Affected: yes.
Comment: This variant is predicted to introduce a premature stop codon in exon 4 resulting in degradation of the affected transcript. This variant is present in the Genome Aggregation Database v.2.1.1 at a very low frequency, indicating it is rare. This variant has been reported in the literature (PMID: 29158687) in osteogenesis imperfecta type XI. Biallelic loss-of-function variants in FKBP10 are an esteablished cause of osteogenesis imperfecta (PMID: 22689593). Based on the ACMG variant interpretation guidelines, the available evidence supports classification of this variant as pathogenic.

Literature cited by the submitters: PubMed 22689593 (cited by Labcorp Genetics (formerly Invitae), Labcorp); PubMed 22949511 (cited by Labcorp Genetics (formerly Invitae), Labcorp); PubMed 29158687 (cited by Labcorp Genetics (formerly Invitae), Labcorp).

NM_021939.4(FKBP10):c.612C>G (p.Tyr204Ter)

Gene: FKBP10 (FKBP prolyl isomerase 10; plus strand). Cytogenetic location: 17q21.2.
Variant type: single nucleotide variant.
Coding change: c.612C>G on transcript NM_021939.4 (MANE Select); coding-DNA position 612, C replaced by G.
Protein change: p.Tyr204Ter; replaces tyrosine 204 with a stop codon.
Molecular consequence: nonsense.
Genome position (GRCh38, 1-based): chr17:41,818,412, C>G. VCF-style: chr17-41818412-C-G. GRCh37 (hg19) VCF-style: chr17-39974664-C-G.
Other names: c.612C>G (NM_021939.3); short protein forms Y204*.
Identifiers: ClinVar variation 1380263 (VCV001380263.7), dbSNP rs1227407669, ClinGen allele CA399514821.